The following is an entry in ClinVar:

NM_001130438.3(SPTAN1):c.6100C>T (p.Gln2034Ter)

Gene: SPTAN1 (spectrin alpha, non-erythrocytic 1; plus strand). Cytogenetic location: 9q34.11.
Variant type: single nucleotide variant.
Coding change: c.6100C>T on transcript NM_001130438.3 (MANE Select); coding-DNA position 6100, C replaced by T.
Protein change: p.Gln2034Ter; replaces glutamine 2034 with a stop codon.
Molecular consequence: nonsense.
Genome position (GRCh38, 1-based): chr9:128,625,799, C>T. VCF-style: chr9-128625799-C-T. GRCh37 (hg19) VCF-style: chr9-131388078-C-T.
Other names: c.6025C>T, p.Gln2009Ter (NM_001195532.2); c.6100C>T, p.Gln2034Ter (NM_001363759.2, NM_001375310.1, NM_001375311.2 and 1 more transcripts); c.6040C>T, p.Gln2014Ter (NM_001363765.2, NM_001375314.2); c.6136C>T, p.Gln2046Ter (NM_001375312.2, NM_001375318.1); c.6085C>T, p.Gln2029Ter (NM_003127.4); short protein forms Q2009*, Q2046*, Q2029*, Q2034*, Q2014*.
Identifiers: ClinVar variation 1356630 (VCV001356630.7), dbSNP rs2131952314, ClinGen allele CA375085942.

ClinVar aggregate classification (germline): Pathogenic (1 of 4 stars; one submission).

Conditions:
Early-infantile DEE. Also called: Early infantile epileptic encephalopathy with suppression bursts; Early infantile epileptic encephalopathy; Ohtahara syndrome. Identifiers: Orphanet 1934, MedGen C0393706, MONDO:0800491.

Submission:

Labcorp Genetics (formerly Invitae), Labcorp
Classification: Pathogenic for Early-infantile DEE. Last evaluated: 2022-06-13. Review status: criteria provided, single submitter. Criteria: Invitae Variant Classification Sherloc (09022015). Collection method: clinical testing. Allele origin: germline.
Comment: For these reasons, this variant has been classified as Pathogenic. This variant has not been reported in the literature in individuals affected with SPTAN1-related conditions. This variant is not present in population databases (gnomAD no frequency). This sequence change creates a premature translational stop signal (p.Gln2034*) in the SPTAN1 gene. It is expected to result in an absent or disrupted protein product. Loss-of-function variants in SPTAN1 are known to be pathogenic (PMID: 31332438, 33206935).

Literature cited by the submitters: PubMed 31332438; PubMed 33206935.